The following is an entry in ClinVar:

ClinVar aggregate classification (germline): Uncertain significance (1 of 4 stars; one submission).

Conditions:
Nemaline myopathy 2 (NEM2). Also called: Nemaline myopathy 2, autosomal recessive. Identifiers: MedGen C1850569, MONDO:0009725, OMIM 256030.

Allele frequency attached by ClinVar (database versions not stated): TOPMed below 0.00001.

Submission:

Labcorp Genetics (formerly Invitae), Labcorp
Classification: Uncertain significance for Nemaline myopathy 2. Last evaluated: 2023-08-17. Review status: criteria provided, single submitter. Criteria: Invitae Variant Classification Sherloc (09022015). Collection method: clinical testing. Allele origin: germline.
Comment: In summary, the available evidence is currently insufficient to determine the role of this variant in disease. Therefore, it has been classified as a Variant of Uncertain Significance. Experimental studies and prediction algorithms are not available or were not evaluated, and the functional significance of this variant is currently unknown. ClinVar contains an entry for this variant (Variation ID: 2059869). This variant has not been reported in the literature in individuals affected with NEB-related conditions. This variant is not present in population databases (gnomAD no frequency). This sequence change replaces glutamic acid, which is acidic and polar, with glycine, which is neutral and non-polar, at codon 4046 of the NEB protein (p.Glu4046Gly).

NM_001164508.2(NEB):c.12137A>G (p.Glu4046Gly)

Gene: NEB (nebulin; minus strand). Cytogenetic location: 2q23.3.
Variant type: single nucleotide variant.
Coding change: c.12137A>G on transcript NM_001164508.2 (MANE Select); coding-DNA position 12137, A replaced by G.
Protein change: p.Glu4046Gly; replaces glutamic acid 4046 with glycine.
Molecular consequence: missense variant.
Genome position (GRCh38, 1-based): chr2:151,610,002, T>C on the plus strand (A>G on the coding strand, the complement: NEB is on the minus strand). VCF-style: chr2-151610002-T-C. GRCh37 (hg19) VCF-style: chr2-152466516-T-C.
Other names: c.12137A>G, p.Glu4046Gly (NM_001164507.2, NM_001271208.2); c.11408A>G, p.Glu3803Gly (NM_004543.5); short protein forms E4046G, E3803G.
Identifiers: ClinVar variation 2059869 (VCV002059869.4), dbSNP rs2097888311, ClinGen allele CA348777498.
Genomic context (GRCh38, chr2:151,610,002, plus strand): 5'-CTTAACATGTCCACTGGGCTAGAGAACTTGGTTTTCCACTTTTGGAATTCCTTCTTGTAC[T>C]CCCTTTCACTTTGAATTTTTCCTGCATGTATGGCACACATAATCTTGGGATCATCTTCAA-3'
Protein context (NP_001157980.2, residues 4036-4056): IHAGKIQSER[Glu4046Gly]YKKEFQKWKT